The following is an entry in ClinVar:

NM_003128.3(SPTBN1):c.3306G>A (p.Thr1102=)

Gene: SPTBN1 (spectrin beta, non-erythrocytic 1; plus strand). Cytogenetic location: 2p16.2.
Variant type: single nucleotide variant.
Coding change: c.3306G>A on transcript NM_003128.3 (MANE Select); coding-DNA position 3306, G replaced by A.
Protein change: p.Thr1102=; no amino-acid change (threonine 1102 retained).
Molecular consequence: synonymous variant.
Genome position (GRCh38, 1-based): chr2:54,631,353, G>A. VCF-style: chr2-54631353-G-A. GRCh37 (hg19) VCF-style: chr2-54858490-G-A.
Other names: c.3267G>A, p.Thr1089= (NM_178313.3).
Identifiers: ClinVar variation 3898223 (VCV003898223.8).
Genomic context (GRCh38, chr2:54,631,353, plus strand): 5'-GACAGCGATCGCCTCGGAGGACATGCCAAACACCCTGACCGAGGCTGAGAAGCTGCTCAC[G>A]CAGCACGAGAACATCAAGAACGAGATCGACAACTACGAGGAGGACTACCAGAAGATGAGG-3'
Protein context (NP_003119.2, residues 1092-1112): NTLTEAEKLL[Thr1102=]QHENIKNEID

ClinVar aggregate classification (germline): Likely benign. Review status: criteria provided, multiple submitters, no conflicts (2 of 4 stars). 2 submissions from 2 submitters: Likely benign (2). Last evaluated 2025-04-01.

gnomAD v4.1: 242 of 1,614,244 alleles (0.015%); highest among the groups gnomAD compares: Middle Eastern, 0.082%; no homozygotes.

Submissions (2):

CeGaT Center for Human Genetics Tuebingen
Classification: Likely benign. Last evaluated: 2025-04-01. Review status: criteria provided, single submitter. Criteria: CeGaT Center For Human Genetics Tuebingen Variant Classification Criteria Version 2. Collection method: clinical testing. Allele origin: germline. Affected: yes. Observed: 1 variant allele.
Comment: SPTBN1: BP4, BP7

Blueprint Genetics
Classification: Likely benign. Last evaluated: 2024-09-09. Review status: criteria provided, single submitter. Criteria: ACMG Guidelines, 2015. Collection method: clinical testing. Allele origin: germline.